The following is an entry in ClinVar:

ClinVar aggregate classification (germline): Likely benign (1 of 4 stars; one submission).

Submission:

GeneDx
Classification: Likely benign. Last evaluated: 2018-06-16. Review status: criteria provided, single submitter. Criteria: GeneDx Variant Classification (06012015). Collection method: clinical testing. Allele origin: germline. Affected: yes.
Comment: This variant is considered likely benign or benign based on one or more of the following criteria: it is a conservative change, it occurs at a poorly conserved position in the protein, it is predicted to be benign by multiple in silico algorithms, and/or has population frequency not consistent with disease.

NM_201378.4(PLEC):c.71-3471_71-3457del

Genes: PLEC (plectin; minus strand), LOC130001341 (ATAC-STARR-seq lymphoblastoid silent region 19632; plus strand). Cytogenetic location: 8q24.3.
Variant type: Microsatellite.
Coding change: c.71-3471_71-3457del on transcript NM_201378.4 (MANE Plus Clinical); 3471 bases into the intron before coding-DNA position 71 through 3457 bases into the intron before coding-DNA position 71, 15 bases deleted (AGGGGGCGGGGCTGG).
Molecular consequence: intron variant.
Genome position (GRCh38, 1-based): chr8:143,942,149-143,942,163, CCAGCCCCGCCCCCT deleted on the plus strand (AGGGGGCGGGGCTGG on the coding strand, the reverse complement: PLEC is on the minus strand); deleting any 15 consecutive bases within chr8:143,942,149-143,942,186 gives the same sequence; the c. name uses the placement nearest the transcript's 3' end. VCF-style (leftmost placement, unchanged base first): chr8-143942148-GCCAGCCCCGCCCCCT-G. GRCh37 (hg19) VCF-style: chr8-145016316-GCCAGCCCCGCCCCCT-G.
Other names: c.194-3471_194-3457del (NM_001410941.1, NM_000445.5); c.47-3471_47-3457del (NM_201379.3); c.524-3471_524-3457del (NM_201380.4); c.16+2485_16+2499del (NM_201381.3); c.112+1616_112+1630del (NM_201382.4); c.124+229_124+243del (NM_201383.3).
Identifiers: ClinVar variation 672674 (VCV000672674.3), dbSNP rs554787708, ClinGen allele CA463436715.
Genomic context (GRCh38, chr8:143,942,148, plus strand): 5'-TCCCCCGTGTCCTGGAAACCCAGGCCAAAGCCCAGGCTGACGTGGAACAGCCGGGGGTGG[GCCAGCCCCGCCCCCT>G]CCAGCCCCGCCCCCTCCAGCCCCTTCTCTAGAGACAAACAAATGGGGGTAGGGGAACATC-3'